The following is an entry in ClinVar:

NM_000540.3(RYR1):c.13254C>A (p.Gly4418=)

Gene: RYR1 (ryanodine receptor 1; plus strand). Cytogenetic location: 19q13.2.
Variant type: single nucleotide variant.
Coding change: c.13254C>A on transcript NM_000540.3 (MANE Select); coding-DNA position 13254, C replaced by A.
Protein change: p.Gly4418=; no amino-acid change (glycine 4418 retained).
Molecular consequence: synonymous variant.
Genome position (GRCh38, 1-based): chr19:38,565,588, C>A. VCF-style: chr19-38565588-C-A. GRCh37 (hg19) VCF-style: chr19-39056228-C-A.
Other names: c.13239C>A, p.Gly4413= (NM_001042723.2).
Identifiers: ClinVar variation 133047 (VCV000133047.11), dbSNP rs193922857, ClinGen allele CA024039.

ClinVar aggregate classification (germline): Likely benign. Review status: criteria provided, multiple submitters, no conflicts (2 of 4 stars). 3 submissions from 3 submitters: Likely benign (2). 1 of the submissions does not count toward it. Last evaluated 2026-01-27.

Conditions:
RYR1-related disorder. Also called: RYR1-related condition; RYR1-related disorders. Identifiers: MedGen CN239331.

Allele frequency attached by ClinVar (database versions not stated): gnomAD exomes 0.00007; 1000 Genomes Project 30x 0.00016; gnomAD 0.00017 and 0.00018; TOPMed 0.00023.
gnomAD v4.1: 123 of 1,463,440 alleles (0.0084%); highest among the groups gnomAD compares: African/African-American, 0.043%; no homozygotes.

Submissions (3):

Labcorp Genetics (formerly Invitae), Labcorp
Classification: Likely benign for RYR1-related disorder. Last evaluated: 2026-01-27. Review status: criteria provided, single submitter. Criteria: Invitae Variant Classification Sherloc (09022015). Collection method: clinical testing. Allele origin: germline.

GeneDx
Classification: Likely benign. Last evaluated: 2021-05-25. Review status: criteria provided, single submitter. Criteria: GeneDx Variant Classification Process June 2021. Collection method: clinical testing. Allele origin: germline. Affected: yes.
Comment: This variant is associated with the following publications: (PMID: 16917943)

RYR1 database
No classification provided. Review status: no classification provided. Collection method: not provided. Allele origin: unknown. Not counted in ClinVar's aggregate classification.